The following is an entry in ClinVar:

ClinVar aggregate classification (germline): Benign/Likely benign. Review status: criteria provided, multiple submitters, no conflicts (2 of 4 stars). 6 submissions from 6 submitters: Benign (3); Likely benign (2). 1 of the submissions does not count toward it. Last evaluated 2026-05-01.

Conditions:
EP300-related disorder. Also called: EP300-related disorders; EP300-related condition.
Rubinstein-Taybi syndrome due to EP300 haploinsufficiency. Also called: EP300-Related Rubinstein-Taybi Syndrome; RUBINSTEIN-TAYBI SYNDROME 2. Identifiers: Orphanet 353284, Orphanet 783, MedGen C3150941, MONDO:0013364, OMIM 613684.

Allele frequency attached by ClinVar (database versions not stated): 1000 Genomes Project 30x 0.00031; TOPMed 0.00110; ESP Exome Variant Server 0.00154.
gnomAD v4.1: 3,219 of 1,614,044 alleles (0.2%); highest among the groups gnomAD compares: Non-Finnish European, 0.26%; 7 homozygotes.

Submissions (6):

CeGaT Center for Human Genetics Tuebingen
Classification: Likely benign. Last evaluated: 2026-05-01. Review status: criteria provided, single submitter. Criteria: CeGaT Center For Human Genetics Tuebingen Variant Classification Criteria Version 2. Collection method: clinical testing. Allele origin: germline. Affected: yes. Observed: 11 variant alleles.
Comment: EP300: BP4, BP7, BS1

Labcorp Genetics (formerly Invitae), Labcorp
Classification: Benign for Rubinstein-Taybi syndrome due to EP300 haploinsufficiency. Last evaluated: 2026-01-28. Review status: criteria provided, single submitter. Criteria: Invitae Variant Classification Sherloc (09022015). Collection method: clinical testing. Allele origin: germline.

Blueprint Genetics
Classification: Likely benign. Last evaluated: 2024-11-18. Review status: criteria provided, single submitter. Criteria: ACMG Guidelines, 2015. Collection method: clinical testing. Allele origin: germline.

GeneDx
Classification: Benign. Last evaluated: 2020-01-22. Review status: criteria provided, single submitter. Criteria: GeneDx Variant Classification Process June 2021. Collection method: clinical testing. Allele origin: germline. Affected: yes.

Eurofins Ntd Llc (ga)
Classification: Benign. Last evaluated: 2013-10-04. Review status: criteria provided, single submitter. Criteria: EGL Classification Definitions 2015. Collection method: clinical testing. Allele origin: germline. Observed: 1 variant allele, 1 homozygote.

PreventionGenetics, part of Exact Sciences
Classification: Likely benign for EP300-related condition. Last evaluated: 2020-12-22. Review status: no assertion criteria provided. Collection method: clinical testing. Allele origin: germline. Not counted in ClinVar's aggregate classification.
Comment: This variant is classified as likely benign based on ACMG/AMP sequence variant interpretation guidelines (Richards et al. 2015 PMID: 25741868, with internal and published modifications).

NM_001429.4(EP300):c.3354C>T (p.Val1118=)

Gene: EP300 (EP300 lysine acetyltransferase; plus strand). Cytogenetic location: 22q13.2.
Variant type: single nucleotide variant.
Coding change: c.3354C>T on transcript NM_001429.4 (MANE Select); coding-DNA position 3354, C replaced by T.
Protein change: p.Val1118=; no amino-acid change (valine 1118 retained).
Molecular consequence: synonymous variant.
Genome position (GRCh38, 1-based): chr22:41,157,261, C>T. VCF-style: chr22-41157261-C-T. GRCh37 (hg19) VCF-style: chr22-41553265-C-T.
Other names: c.3276C>T, p.Val1092= (NM_001362843.2).
Identifiers: ClinVar variation 93739 (VCV000093739.44), dbSNP rs11704815, ClinGen allele CA147270.